The following is an entry in ClinVar:

NM_005120.3(MED12):c.3047G>A (p.Arg1016His)

Gene: MED12 (mediator complex subunit 12; plus strand). Cytogenetic location: Xq13.1.
Variant type: single nucleotide variant.
Coding change: c.3047G>A on transcript NM_005120.3 (MANE Select); coding-DNA position 3047, G replaced by A.
Protein change: p.Arg1016His; replaces arginine 1016 with histidine.
Molecular consequence: missense variant.
Genome position (GRCh38, 1-based): chrX:71,127,958, G>A. VCF-style: chrX-71127958-G-A. GRCh37 (hg19) VCF-style: chrX-70347808-G-A.
Other names: short protein forms R1016H.
Identifiers: ClinVar variation 4801070 (VCV004801070.1).

ClinVar aggregate classification (germline): Uncertain significance (1 of 4 stars; one submission).

Conditions:
FG syndrome (FGS). Identifiers: MedGen C0220769, MONDO:0002010.

Submission:

Labcorp Genetics (formerly Invitae), Labcorp
Classification: Uncertain significance for FG syndrome. Last evaluated: 2025-03-18. Review status: criteria provided, single submitter. Criteria: Invitae Variant Classification Sherloc (09022015). Collection method: clinical testing. Allele origin: germline.
Comment: This sequence change replaces arginine, which is basic and polar, with histidine, which is basic and polar, at codon 1016 of the MED12 protein (p.Arg1016His). This variant is not present in population databases (gnomAD no frequency). This variant has not been reported in the literature in individuals affected with MED12-related conditions. Invitae Evidence Modeling of protein sequence and biophysical properties (such as structural, functional, and spatial information, amino acid conservation, physicochemical variation, residue mobility, and thermodynamic stability) has been performed for this missense variant. However, the output from this modeling did not meet the statistical confidence thresholds required to predict the impact of this variant on MED12 protein function. In summary, the available evidence is currently insufficient to determine the role of this variant in disease. Therefore, it has been classified as a Variant of Uncertain Significance.